The following is an entry in ClinVar:

NM_001160037.2(RHOBTB2):c.9G>A (p.Ala3=)

Genes: RHOBTB2 (Rho related BTB domain containing 2; plus strand), RHOBTB2-AS1 (RHOBTB2 antisense RNA 1; minus strand). Cytogenetic location: 8p21.3.
Variant type: single nucleotide variant.
Coding change: c.9G>A on transcript NM_001160037.2; coding-DNA position 9, G replaced by A.
Protein change: p.Ala3=; no amino-acid change (alanine 3 retained).
Molecular consequence: synonymous variant. On other transcripts: intron variant (1).
Genome position (GRCh38, 1-based): chr8:22,995,880, G>A. VCF-style: chr8-22995880-G-A. GRCh37 (hg19) VCF-style: chr8-22853393-G-A.
Other names: c.56+1241G>A (NM_001160036.2).
Identifiers: ClinVar variation 2658474 (VCV002658474.24), dbSNP rs562008303, ClinGen allele CA4672330.
Genomic context (GRCh38, chr8:22,995,880, plus strand): 5'-GGCCCATGGGGTGGGCTCCGCAGAGGCTGTAGTGTTCCAGGAGAGGGGTGCCATGAAAGC[G>A]CGGTTAGTAGCCTGCAAAGTGTTGAAGGGTAAAGCTGCCTGTGAAGCAAAGGGAAGGTGC-3'

ClinVar aggregate classification (germline): Likely benign. Review status: criteria provided, multiple submitters, no conflicts (2 of 4 stars). 3 submissions from 3 submitters: Likely benign (2). 1 of the submissions does not count toward it. Last evaluated 2024-09-12.

Conditions:
RHOBTB2-related disorder. Also called: RHOBTB2-related condition.

Allele frequency attached by ClinVar (database versions not stated): 1000 Genomes Project 0.00040; TOPMed 0.00025; ExAC 0.00030; gnomAD exomes 0.00041; gnomAD 0.00058; 1000 Genomes Project 30x 0.00062.
gnomAD v4.1: 671 of 1,551,574 alleles (0.043%); highest among the groups gnomAD compares: East Asian, 0.051%; no homozygotes.

Submissions (3):

Blueprint Genetics
Classification: Likely benign. Last evaluated: 2024-09-12. Review status: criteria provided, single submitter. Criteria: ACMG Guidelines, 2015. Collection method: clinical testing. Allele origin: germline.

CeGaT Center for Human Genetics Tuebingen
Classification: Likely benign. Last evaluated: 2023-03-01. Review status: criteria provided, single submitter. Criteria: CeGaT Center For Human Genetics Tuebingen Variant Classification Criteria Version 2. Collection method: clinical testing. Allele origin: germline. Affected: yes. Observed: 1 variant allele.
Comment: RHOBTB2: BP4, BP7

PreventionGenetics, part of Exact Sciences
Classification: Likely benign for RHOBTB2-related condition. Last evaluated: 2023-07-30. Review status: no assertion criteria provided. Collection method: clinical testing. Allele origin: germline. Not counted in ClinVar's aggregate classification.
Comment: This variant is classified as likely benign based on ACMG/AMP sequence variant interpretation guidelines (Richards et al. 2015 PMID: 25741868, with internal and published modifications).